The following is an entry in ClinVar:

ClinVar aggregate classification (germline): Likely benign (0 of 4 stars; one submission).

Conditions:
UBR4-related disorder. Also called: UBR4-related condition.

gnomAD v4.1: 1 of 1,613,964 alleles (0.000062%); highest among the groups gnomAD compares: Middle Eastern, 0.016%; no homozygotes.

Submission:

PreventionGenetics, part of Exact Sciences
Classification: Likely benign for UBR4-related condition. Last evaluated: 2019-07-02. Review status: no assertion criteria provided. Collection method: clinical testing. Allele origin: germline.
Comment: This variant is classified as likely benign based on ACMG/AMP sequence variant interpretation guidelines (Richards et al. 2015 PMID: 25741868, with internal and published modifications).

NM_020765.3(UBR4):c.11893-4C>G

Gene: UBR4 (ubiquitin protein ligase E3 component n-recognin 4; minus strand). Cytogenetic location: 1p36.13.
Variant type: single nucleotide variant.
Coding change: c.11893-4C>G on transcript NM_020765.3 (MANE Select); 4 bases into the intron before coding-DNA position 11893, C replaced by G.
Molecular consequence: intron variant.
Genome position (GRCh38, 1-based): chr1:19,110,468, G>C on the plus strand (C>G on the coding strand, the complement: UBR4 is on the minus strand). VCF-style: chr1-19110468-G-C. GRCh37 (hg19) VCF-style: chr1-19436962-G-C.
Identifiers: ClinVar variation 3043237 (VCV003043237.2), dbSNP rs778273070, ClinGen allele CA2643760190.